The following is an entry in ClinVar:

ClinVar aggregate classification (germline): Conflicting classifications of pathogenicity. Review status: criteria provided, conflicting classifications (1 of 4 stars). 12 submissions from 12 submitters: Likely pathogenic (2); Uncertain significance (7); Benign (2). 1 of the submissions does not count toward it. Last evaluated 2026-08-04.

Conditions:
Autosomal recessive Alport syndrome (ATS2). Also called: COL4A4 Alport Syndrome and Thin Basement Membrane Nephropathy; Alport syndrome type 2; ALPORT SYNDROME 2, AUTOSOMAL RECESSIVE; COL4A3-Related Nephropathy. Identifiers: Orphanet 63, Orphanet 88919, MedGen C4746745, MONDO:0008762, OMIM 203780.
Benign familial hematuria. Also called: thin basement membrane disease. Identifiers: MedGen C0241908, MONDO:0957317.
Alport syndrome. Also called: Hemorrhagic familial nephritis; Hemorrhagic hereditary nephritis; Congenital hereditary hematuria. Identifiers: Orphanet 63, MedGen C1567741, MONDO:0018965.
Hematuria, benign familial, 1 (BFH1). Also called: THIN MEMBRANE NEPHROPATHY. Identifiers: MedGen CN376803, MONDO:0007709, OMIM 141200.
Focal segmental glomerulosclerosis (FSGS). Also called: Glomerulosclerosis, focal; Focal sclerosis with hyalinosis. Identifiers: MedGen C0017668, MONDO:0100313, HP:0000097. Disease mechanism: loss of function.
COL4A4-related disorder.
Kidney disorder. Also called: Kidney disease; Kidney Diseases; renal disorder; renal disease; Nephropathy. Identifiers: MedGen C0022658, MONDO:0005240, HP:0000112.

Allele frequency attached by ClinVar (database versions not stated): gnomAD exomes 0.00005 and 0.00015; TOPMed 0.00007; 1000 Genomes Project 0.00040; ExAC 0.00012; 1000 Genomes Project 30x 0.00062; gnomAD 0.00005 and 0.00007.
gnomAD v4.1: 89 of 1,614,156 alleles (0.0055%); highest among the groups gnomAD compares: East Asian, 0.1%; no homozygotes.

Submissions (12):

PreventionGenetics, part of Exact Sciences
Classification: Uncertain significance for COL4A4-related condition. Last evaluated: 2026-08-04. Review status: criteria provided, single submitter. Criteria: ACMG Guidelines, 2015. Collection method: clinical testing. Allele origin: germline.
Comment: The COL4A4 c.4421C>T variant is predicted to result in the amino acid substitution p.Thr1474Met. This variant has been reported in both the heterozygous state and compound heterozygous state in individuals with Alport spectrum disorder (see, for example, Wang et al. 2017. PubMed ID: 28476686; Zhao et al. 2019. PubMed ID: 30968591; Rao et al. 2019. PubMed ID: 31328266; Zhang et al. 2020. PubMed ID: 32703181; Eroz et al. 2020. PubMed ID: 32332277). Some patients were also reported to harbor variants in other collagen genes (Wang et al. 2017. PubMed ID: 28476686; Zhao et al. 2019. PubMed ID: 30968591). This variant is reported in 0.17% of alleles in individuals of East Asian descent in gnomAD, which is relatively high for a causative variant. At this time, the clinical significance of this variant is uncertain due to the absence of conclusive functional and genetic evidence.

Labcorp Genetics (formerly Invitae), Labcorp
Classification: Benign. Last evaluated: 2026-01-14. Review status: criteria provided, single submitter. Criteria: Invitae Variant Classification Sherloc (09022015). Collection method: clinical testing. Allele origin: germline.

Women's Health and Genetics/Laboratory Corporation of America, LabCorp
Classification: Benign. Last evaluated: 2025-09-18. Review status: criteria provided, single submitter. Criteria: LabCorp Variant Classification Summary - May 2015. Collection method: clinical testing. Allele origin: germline.
Comment: Variant summary: COL4A4 c.4421C>T (p.Thr1474Met) results in a non-conservative amino acid change in the encoded protein sequence. Algorithms developed to predict the effect of missense changes on protein structure and function all suggest that this variant is likely to be disruptive. The variant allele was found at a frequency of 0.00015 in 249310 control chromosomes, predominantly at a frequency of 0.0017 within the East Asian subpopulation in the gnomAD database. The observed variant frequency within East Asian control individuals in the gnomAD database exceeds the estimated maximal expected allele frequency for disease-causing variants in COL4A4. c.4421C>T has been observed in individuals affected with Alport Syndrome or steroid resistant nephrotic syndrome without cosegregation information and with alternate possibly causal collagen gene variants (e.g., Zhao_2019, Wang_2017). These reports do not provide unequivocal conclusions about association of the variant with Alport Syndrome, Autosomal Recessive. To our knowledge, no experimental evidence demonstrating an impact on protein function has been reported. The following publications have been ascertained in the context of this evaluation (PMID: 30968591, 28476686). ClinVar contains an entry for this variant (Variation ID: 334704). Based on the evidence outlined above, the variant was classified as benign.

3billion
Classification: Likely pathogenic for Autosomal recessive Alport syndrome. Last evaluated: 2025-08-06. Review status: criteria provided, single submitter. Criteria: ACMG Guidelines, 2015. Collection method: clinical testing. Allele origin: germline. Affected: yes.
Comment: The variant is observed at an extremely low frequency in the gnomAD v4.1.0 dataset (total allele frequency: 0.006%). Predicted Consequence/Location: Missense variant The same nucleotide change resulting in the same amino acid change has been previously reported to be associated with COL4A4-related disorder (ClinVar ID: VCV000334704 /3billion dataset).The variant has been reported to be in trans with a pathogenic variant as either compound heterozygous or homozygous in at least 2 similarly affected unrelated individuals (PMID: 28476686, 30968591, 32332277, 32703181). Therefore, this variant is classified as Likely pathogenic according to the recommendation of ACMG/AMP guideline.

GeneDx
Classification: Uncertain significance. Last evaluated: 2025-04-23. Review status: criteria provided, single submitter. Criteria: GeneDx Variant Classification Process June 2021. Collection method: clinical testing. Allele origin: germline. Affected: yes.
Comment: Reported as heterozygous in patients with focal segmental glomerulosclerosis in published literature who also harbored variants in other collagen genes (PMID: 28476686); In silico analysis supports that this missense variant has a deleterious effect on protein structure/function; This variant is associated with the following publications: (PMID: 32703181, 37248651, 32332277, 31328266, 38908538, 28476686, 30968591)

Blueprint Genetics
Classification: Likely pathogenic for COL4A4-related disorders. Last evaluated: 2024-08-09. Review status: criteria provided, single submitter. Criteria: ACMG Guidelines, 2015. Collection method: clinical testing. Allele origin: germline. Affected: yes. Observed: 5 variant alleles.

Victorian Clinical Genetics Services, Murdoch Childrens Research Institute
Classification: Uncertain significance for Alport syndrome. Last evaluated: 2023-07-17. Review status: criteria provided, single submitter. Criteria: ACMG Guidelines, 2015. Collection method: clinical testing. Allele origin: germline. Affected: yes.
Comment: Based on the classification scheme VCGS_Germline_v1.3.4, this variant is classified as VUS-3B. Following criteria are met: 0103 - Loss of function is a known mechanism of disease for this gene and is associated with Alport syndrome. Dominant negative is a suspected mechanism of disease for this gene as it is a structural protein (PMIDs: 12028435, 24046192). (I) 0108 - This gene is associated with both recessive and dominant disease. Alport syndrome typically has biallelic inheritance, although rare cases of monoallelic inheritance have been reported (PMID: 28704582). Thin basement membrane nephropathy (TBMN) and focal segmental glomerulosclerosis (FSGS) are associated with autosomal dominant inheritance (OMIM, PMIDs: 16467446, 17942953). (I) 0200 - Variant is predicted to result in a missense amino acid change from threonine to methionine. (I) 0251 - This variant is heterozygous. (I) 0304 - Variant is present in gnomAD (v2+v3) <0.01 (47 heterozygotes, 0 homozygotes). (SP) 0501 - Missense variant consistently predicted to be damaging by multiple in silico tools or highly conserved with a major amino acid change. (SP) 0600 - Variant is located in the annotated C4 domain (DECIPHER). (I) 0705 - No comparable missense variants have previous evidence for pathogenicity. (I) 0808 - Previous reports of pathogenicity for this variant are conflicting. This variant has been classified as a VUS by multiple clinical laboratories in ClinVar and more recently as pathogenic by a single submitter. This variant has been observed in compound heterozygous state in three individuals with Alport syndrome in the literature (PMIDs: 32332277, 32703181, 30968591). This variant has also been observed as a single heterozygous variant in another three individuals with Alport syndrome or steroid-resistant nephrotic syndrome, two of whom had other variants more likely to be the cause of their conditions (PMIDs: 32332277, 28476686, 30968591). (SP) 1007 - No published functional evidence has been identified for this variant. (I) 1208 - Inheritance information for this variant is not currently available in this individual. (I) Legend: (SP) - Supporting pathogenic, (I) - Information, (SB) - Supporting benign

Clinical Genomics Laboratory, Stanford Medicine
Classification: Uncertain significance for Benign familial hematuria. Last evaluated: 2023-03-30. Review status: criteria provided, single submitter. Criteria: ACMG Guidelines, 2015. Collection method: clinical testing. Allele origin: germline. Observed: 1 variant allele, 1 heterozygote.

Fulgent Genetics
Classification: Uncertain significance for Hematuria, benign familial, 1; Autosomal recessive Alport syndrome. Last evaluated: 2022-04-23. Review status: criteria provided, single submitter. Criteria: ACMG Guidelines, 2015. Collection method: clinical testing. Allele origin: unknown.

Genome Diagnostics Laboratory, The Hospital for Sick Children
Classification: Uncertain significance for Kidney disorder. Last evaluated: 2019-08-01. Review status: criteria provided, single submitter. Criteria: ACMG Guidelines, 2015. Collection method: clinical testing. Allele origin: germline.

Illumina Laboratory Services, Illumina
Classification: Uncertain significance for Alport syndrome. Last evaluated: 2018-01-12. Review status: criteria provided, single submitter. Criteria: ICSL Variant Classification Criteria 13 December 2019. Collection method: clinical testing. Allele origin: germline.

Natera, Inc.
Classification: Uncertain significance for Alport syndrome. Last evaluated: 2020-01-16. Review status: no assertion criteria provided. Collection method: clinical testing. Allele origin: germline. Not counted in ClinVar's aggregate classification.

Literature cited by the submitters: PubMed 30968591 (cited by 3 submitters); PubMed 28476686 (cited by 3 submitters); PubMed 32703181 (cited by 3billion and Victorian Clinical Genetics Services, Murdoch Childrens Research Institute); PubMed 32332277 (cited by 3billion and Victorian Clinical Genetics Services, Murdoch Childrens Research Institute); PubMed 12028435 (cited by Victorian Clinical Genetics Services, Murdoch Childrens Research Institute); PubMed 16467446 (cited by Victorian Clinical Genetics Services, Murdoch Childrens Research Institute); PubMed 17942953 (cited by Victorian Clinical Genetics Services, Murdoch Childrens Research Institute); PubMed 24046192 (cited by Victorian Clinical Genetics Services, Murdoch Childrens Research Institute); PubMed 28704582 (cited by Victorian Clinical Genetics Services, Murdoch Childrens Research Institute).

NM_000092.5(COL4A4):c.4421C>T (p.Thr1474Met)

Gene: COL4A4 (collagen type IV alpha 4 chain; minus strand). Cytogenetic location: 2q36.3.
Variant type: single nucleotide variant.
Coding change: c.4421C>T on transcript NM_000092.5 (MANE Select); coding-DNA position 4421, C replaced by T.
Protein change: p.Thr1474Met; replaces threonine 1474 with methionine.
Molecular consequence: missense variant.
Genome position (GRCh38, 1-based): chr2:227,010,414, G>A on the plus strand (C>T on the coding strand, the complement: COL4A4 is on the minus strand). VCF-style: chr2-227010414-G-A. GRCh37 (hg19) VCF-style: chr2-227875130-G-A.
Other names: short protein forms T1474M.
Identifiers: ClinVar variation 334704 (VCV000334704.32), dbSNP rs201615111, ClinGen allele CA2144174.